The following is an entry in ClinVar:

ClinVar aggregate classification (germline): Uncertain significance (1 of 4 stars; one submission).

Allele frequency attached by ClinVar (database versions not stated): ExAC 0.00001; gnomAD 0.00002; TOPMed 0.00003; gnomAD exomes 0.00004.
gnomAD v4.1: 56 of 1,597,976 alleles (0.0035%); highest among the groups gnomAD compares: Non-Finnish European, 0.0044%; no homozygotes.

Submission:

Labcorp Genetics (formerly Invitae), Labcorp
Classification: Uncertain significance. Last evaluated: 2024-10-29. Review status: criteria provided, single submitter. Criteria: Invitae Variant Classification Sherloc (09022015). Collection method: clinical testing. Allele origin: germline.
Comment: This sequence change falls in intron 10 of the SULF1 gene. It does not directly change the encoded amino acid sequence of the SULF1 protein. It affects a nucleotide within the consensus splice site. This variant is present in population databases (rs780683006, gnomAD 0.006%). This variant has not been reported in the literature in individuals affected with SULF1-related conditions. ClinVar contains an entry for this variant (Variation ID: 2908773). Variants that disrupt the consensus splice site are a relatively common cause of aberrant splicing (PMID: 17576681, 9536098). Algorithms developed to predict the effect of sequence changes on RNA splicing suggest that this variant may disrupt the consensus splice site. In summary, the available evidence is currently insufficient to determine the role of this variant in disease. Therefore, it has been classified as a Variant of Uncertain Significance.

Literature cited by the submitters: PubMed 17576681; PubMed 9536098.

NM_001128205.2(SULF1):c.1061+5G>A

Gene: SULF1 (sulfatase 1; plus strand). Cytogenetic location: 8q13.3.
Variant type: single nucleotide variant.
Coding change: c.1061+5G>A on transcript NM_001128205.2 (MANE Select); 5 bases into the intron after coding-DNA position 1061, G replaced by A.
Molecular consequence: intron variant.
Genome position (GRCh38, 1-based): chr8:69,601,834, G>A. VCF-style: chr8-69601834-G-A. GRCh37 (hg19) VCF-style: chr8-70514069-G-A.
Other names: c.1061+5G>A (NM_001412835.1, NM_015170.3, NM_001412828.1 and 18 more transcripts); c.461+5G>A (NM_001412845.1, NM_001412844.1); c.-715+5G>A (NM_001412846.1); c.875+5G>A (NM_001412841.1, NM_001412842.1).
Identifiers: ClinVar variation 2908773 (VCV002908773.3), dbSNP rs780683006, ClinGen allele CA4775743.